The following is an entry in ClinVar:

ClinVar aggregate classification (germline): Uncertain significance (1 of 4 stars; one submission).

Conditions:
Myofibrillar myopathy 5. Also called: FILAMINOPATHY, AUTOSOMAL DOMINANT; Filaminopathy (type). Identifiers: Orphanet 171445, MedGen C1836050, MONDO:0012289, OMIM 609524.
Distal myopathy with posterior leg and anterior hand involvement. Also called: WILLIAMS DISTAL MYOPATHY. Identifiers: Orphanet 63273, MedGen C3279722, MONDO:0013550, OMIM 614065.
Hypertrophic cardiomyopathy 26. Also called: Cardiomyopathy, familial hypertrophic, 26. Identifiers: Orphanet 75249, MedGen C4310749, MONDO:0014883, OMIM 617047.

Submission:

Labcorp Genetics (formerly Invitae), Labcorp
Classification: Uncertain significance for Distal myopathy with posterior leg and anterior hand involvement; Myofibrillar myopathy 5; Hypertrophic cardiomyopathy 26. Last evaluated: 2026-01-18. Review status: criteria provided, single submitter. Criteria: Invitae Variant Classification Sherloc (09022015). Collection method: clinical testing. Allele origin: germline.
Comment: This sequence change replaces glycine, which is neutral and non-polar, with arginine, which is basic and polar, at codon 2644 of the FLNC protein (p.Gly2644Arg). This variant is not present in population databases (gnomAD no frequency). This variant has not been reported in the literature in individuals affected with FLNC-related conditions. Invitae Evidence Modeling of protein sequence and biophysical properties (such as structural, functional, and spatial information, amino acid conservation, physicochemical variation, residue mobility, and thermodynamic stability) has been performed for this missense variant. However, the output from this modeling did not meet the statistical confidence thresholds required to predict the impact of this variant on FLNC protein function. In summary, the available evidence is currently insufficient to determine the role of this variant in disease. Therefore, it has been classified as a Variant of Uncertain Significance.

NM_001458.5(FLNC):c.7930G>A (p.Gly2644Arg)

Genes: FLNC (filamin C; plus strand), FLNC-AS1 (FLNC antisense RNA 1; minus strand). Cytogenetic location: 7q32.1.
Variant type: single nucleotide variant.
Coding change: c.7930G>A on transcript NM_001458.5 (MANE Select); coding-DNA position 7930, G replaced by A.
Protein change: p.Gly2644Arg; replaces glycine 2644 with arginine.
Molecular consequence: missense variant.
Genome position (GRCh38, 1-based): chr7:128,858,157, G>A. VCF-style: chr7-128858157-G-A. GRCh37 (hg19) VCF-style: chr7-128498211-G-A.
Other names: c.7831G>A, p.Gly2611Arg (NM_001127487.2); short protein forms G2611R, G2644R.
Identifiers: ClinVar variation 4812344 (VCV004812344.1).